The following is an entry in ClinVar:

NM_001987.5(ETV6):c.248A>C (p.Asp83Ala)

Genes: ETV6 (ETS variant transcription factor 6; plus strand), LOC126861451 (BRD4-independent group 4 enhancer GRCh37_chr12:11991350-11992549; plus strand). Cytogenetic location: 12p13.2.
Variant type: single nucleotide variant.
Coding change: c.248A>C on transcript NM_001987.5 (MANE Select); coding-DNA position 248, A replaced by C.
Protein change: p.Asp83Ala; replaces aspartic acid 83 with alanine.
Molecular consequence: missense variant. On other transcripts: 5 prime UTR variant (1).
Genome position (GRCh38, 1-based): chr12:11,839,224, A>C. VCF-style: chr12-11839224-A-C. GRCh37 (hg19) VCF-style: chr12-11992158-A-C.
Other names: c.245A>C, p.Asp82Ala (NM_001413913.1); c.221A>C, p.Asp74Ala (NM_001413914.1); c.-17A>C (NM_001413915.1); c.248A>C, p.Asp83Ala (NM_001413916.1, NM_001413917.1, NM_001413918.1); short protein forms D74A, D82A, D83A.
Identifiers: ClinVar variation 4020115 (VCV004020115.1).

ClinVar aggregate classification (germline): Uncertain significance (1 of 4 stars; one submission).

Conditions:
Inborn genetic diseases. Identifiers: MedGen C0950123, MeSH D030342.

Submission:

Ambry Genetics
Classification: Uncertain significance for Inborn genetic diseases. Last evaluated: 2025-05-31. Review status: criteria provided, single submitter. Criteria: Ambry Variant Classification Scheme 2023. Collection method: clinical testing. Allele origin: germline.
Comment: The p.D83A variant (also known as c.248A>C), located in coding exon 3 of the ETV6 gene, results from an A to C substitution at nucleotide position 248. The aspartic acid at codon 83 is replaced by alanine, an amino acid with dissimilar properties. This amino acid position is conserved. In addition, this alteration is predicted to be tolerated by in silico analysis. Based on the available evidence, the clinical significance of this variant remains unclear.